The following is an entry in ClinVar:

ClinVar aggregate classification (germline): Likely benign. Review status: criteria provided, multiple submitters, no conflicts (2 of 4 stars). 4 submissions from 4 submitters: Likely benign (4). Last evaluated 2025-11-07.

Conditions:
Familial thoracic aortic aneurysm and aortic dissection (TAAD). Also called: Thoracic aortic aneurysms and dissections. Identifiers: Orphanet 91387, MedGen C4707243, MONDO:0019625.
Aneurysm-osteoarthritis syndrome. Also called: SMAD3-Related Loeys-Dietz Syndrome; ANEURYSMS-OSTEOARTHRITIS SYNDROME; LOEYS-DIETZ SYNDROME WITH OSTEOARTHRITIS; Loeys-Dietz syndrome, type 1C. Identifiers: Orphanet 284984, MedGen C3151087, MONDO:0013426, OMIM 613795.

Allele frequency attached by ClinVar (database versions not stated): gnomAD exomes below 0.00001; ExAC 0.00001; gnomAD 0.00001; TOPMed 0.00001.
gnomAD v4.1: 31 of 1,614,094 alleles (0.0019%); highest among the groups gnomAD compares: Non-Finnish European, 0.0025%; no homozygotes.

Submissions (4):

Ambry Genetics
Classification: Likely benign for Familial thoracic aortic aneurysm and aortic dissection. Last evaluated: 2025-11-07. Review status: criteria provided, single submitter. Criteria: Ambry Variant Classification Scheme 2023. Collection method: clinical testing. Allele origin: germline.

Labcorp Genetics (formerly Invitae), Labcorp
Classification: Likely benign for Familial thoracic aortic aneurysm and aortic dissection. Last evaluated: 2025-03-02. Review status: criteria provided, single submitter. Criteria: Invitae Variant Classification Sherloc (09022015). Collection method: clinical testing. Allele origin: germline.

All of Us Research Program, National Institutes of Health
Classification: Likely benign for Aneurysm-osteoarthritis syndrome. Last evaluated: 2024-08-30. Review status: criteria provided, single submitter. Criteria: ACMG Guidelines, 2015. Collection method: clinical testing. Allele origin: germline. Inheritance: Autosomal dominant inheritance. Observed: 4 variant alleles, 4 heterozygotes.
Comment: This study involves interpretation of variants in research participants for the purpose of population health screening. Participant phenotype was not available at the time of variant classification. Additional details can be found in publication PMID: 35346344, PMCID: PMC8962531

Color Diagnostics, LLC DBA Color Health
Classification: Likely benign for Familial thoracic aortic aneurysm and aortic dissection. Last evaluated: 2019-01-11. Review status: criteria provided, single submitter. Criteria: ACMG Guidelines, 2015. Collection method: clinical testing. Allele origin: germline.

NM_005902.4(SMAD3):c.414G>A (p.Val138=)

Gene: SMAD3 (SMAD family member 3; plus strand). Cytogenetic location: 15q22.33.
Variant type: single nucleotide variant.
Coding change: c.414G>A on transcript NM_005902.4 (MANE Select); coding-DNA position 414, G replaced by A.
Protein change: p.Val138=; no amino-acid change (valine 138 retained).
Molecular consequence: synonymous variant.
Genome position (GRCh38, 1-based): chr15:67,165,266, G>A. VCF-style: chr15-67165266-G-A. GRCh37 (hg19) VCF-style: chr15-67457604-G-A.
Other names: c.99G>A, p.Val33= (NM_001145102.2); c.282G>A, p.Val94= (NM_001145103.2).
Identifiers: ClinVar variation 263331 (VCV000263331.9), dbSNP rs771802144, ClinGen allele CA062221.
Genomic context (GRCh38, chr15:67,165,266, plus strand): 5'-GTCTGGCATCGACACTGAGCCACCTCTGCTCTGTCTCCCCCGGACAGTTCTACCTCCTGT[G>A]TTGGTGCCACGCCACACAGAGATCCCGGCCGAGTTCCCCCCACTGGACGACTACAGCCAT-3'
Protein context (NP_005893.1, residues 128-148): QRVETPVLPP[Val138=]LVPRHTEIPA